The following is an entry in ClinVar:

ClinVar aggregate classification (germline): Uncertain significance. Review status: criteria provided, multiple submitters, no conflicts (2 of 4 stars). 3 submissions from 3 submitters: Uncertain significance (3). Last evaluated 2025-07-28.

Conditions:
Hereditary cancer-predisposing syndrome. Also called: Hereditary neoplastic syndrome; Neoplastic Syndromes, Hereditary; Hereditary Cancer Syndrome; Tumor predisposition. Identifiers: Orphanet 140162, MedGen C0027672, MeSH D009386, MONDO:0015356.
Familial adenomatous polyposis 1 (FAP1). Also called: POLYPOSIS, ADENOMATOUS INTESTINAL; FAMILIAL ADENOMATOUS POLYPOSIS 1, ATTENUATED. Identifiers: MedGen C2713442, MONDO:0021056, OMIM 175100. Disease mechanism: loss of function.

gnomAD v4.1: 1 of 1,613,874 alleles (0.000062%); no homozygotes.

Submissions (3):

Ambry Genetics
Classification: Uncertain significance for Hereditary cancer-predisposing syndrome. Last evaluated: 2025-07-28. Review status: criteria provided, single submitter. Criteria: Ambry Variant Classification Scheme 2023. Collection method: clinical testing. Allele origin: germline.
Comment: The p.S1936P variant (also known as c.5806T>C), located in coding exon 15 of the APC gene, results from a T to C substitution at nucleotide position 5806. The serine at codon 1936 is replaced by proline, an amino acid with similar properties. This amino acid position is conserved. In addition, in silico predictors for this gene do not accurately predict pathogenicity. Based on the available evidence, the clinical significance of this variant remains unclear.

Baylor Genetics
Classification: Uncertain significance for Familial adenomatous polyposis 1. Last evaluated: 2024-01-23. Review status: criteria provided, single submitter. Criteria: ACMG Guidelines, 2015. Collection method: clinical testing. Allele origin: unknown.

Labcorp Genetics (formerly Invitae), Labcorp
Classification: Uncertain significance for Familial adenomatous polyposis 1. Last evaluated: 2022-03-19. Review status: criteria provided, single submitter. Criteria: Invitae Variant Classification Sherloc (09022015). Collection method: clinical testing. Allele origin: germline.
Comment: In summary, the available evidence is currently insufficient to determine the role of this variant in disease. Therefore, it has been classified as a Variant of Uncertain Significance. Algorithms developed to predict the effect of missense changes on protein structure and function output the following: SIFT: "Tolerated"; PolyPhen-2: "Benign"; Align-GVGD: "Class C0". The proline amino acid residue is found in multiple mammalian species, which suggests that this missense change does not adversely affect protein function. This variant has not been reported in the literature in individuals affected with APC-related conditions. This variant is not present in population databases (gnomAD no frequency). This sequence change replaces serine, which is neutral and polar, with proline, which is neutral and non-polar, at codon 1936 of the APC protein (p.Ser1936Pro).

NM_000038.6(APC):c.5806T>C (p.Ser1936Pro)

Gene: APC (APC regulator of Wnt signaling pathway; plus strand). Cytogenetic location: 5q22.2.
Variant type: single nucleotide variant.
Coding change: c.5806T>C on transcript NM_000038.6 (MANE Select); coding-DNA position 5806, T replaced by C.
Protein change: p.Ser1936Pro; replaces serine 1936 with proline.
Molecular consequence: missense variant.
Genome position (GRCh38, 1-based): chr5:112,841,400, T>C. VCF-style: chr5-112841400-T-C. GRCh37 (hg19) VCF-style: chr5-112177097-T-C.
Other names: c.5806T>C, p.Ser1936Pro (NM_001127510.3, NM_001354895.2); c.5752T>C, p.Ser1918Pro (NM_001127511.3); c.5860T>C, p.Ser1954Pro (NM_001354896.2); c.5836T>C, p.Ser1946Pro (NM_001354897.2); c.5731T>C, p.Ser1911Pro (NM_001354898.2); c.5722T>C, p.Ser1908Pro (NM_001354899.2); c.5683T>C, p.Ser1895Pro (NM_001354900.2); c.5629T>C, p.Ser1877Pro (NM_001354901.2); and 6 more; short protein forms S1911P, S1946P, S1653P, S1776P, S1810P, S1877P, S1895P, S1936P.
Identifiers: ClinVar variation 1487635 (VCV001487635.8), dbSNP rs2149949702, ClinGen allele CA16034033.